The following is an entry in ClinVar:

ClinVar aggregate classification (germline): Pathogenic (1 of 4 stars; one submission).

Conditions:
Tyrosinemia type II (TYRSN2). Also called: KERATOSIS PALMOPLANTARIS WITH CORNEAL DYSTROPHY; OREGON TYPE TYROSINEMIA; TAT DEFICIENCY; TYROSINE AMINOTRANSFERASE DEFICIENCY; TYROSINE TRANSAMINASE DEFICIENCY. Identifiers: Orphanet 28378, MedGen C0268487, MONDO:0010160, OMIM 276600.

Submission:

Myriad Genetics, Inc.
Classification: Pathogenic for Tyrosinemia type II. Last evaluated: 2025-10-25. Review status: criteria provided, single submitter. Criteria: Myriad Autosomal Dominant, Autosomal Recessive and X-Linked Classification Criteria (2023). Collection method: clinical testing. Allele origin: unknown.
Comment: NM_000353.2(TAT):c.307_308delTCinsCCT(S103Pfs*5) is expected to be pathogenic in the context of tyrosinemia type II. This variant is predicted to lead to an abnormal or absent protein product due to the creation of a premature termination codon in TAT, a gene where loss-of-function variants are known to be pathogenic. Please note: this variant was assessed in the context of healthy population screening.

NM_000353.3(TAT):c.307_308delinsCCT (p.Ser103fs)

Gene: TAT (tyrosine aminotransferase; minus strand). Cytogenetic location: 16q22.2.
Variant type: Indel.
Coding change: c.307_308delinsCCT on transcript NM_000353.3 (MANE Select); coding-DNA positions 307 to 308, TC replaced by CCT.
Protein change: p.Ser103fs; shifts the reading frame from serine 103.
Molecular consequence: frameshift variant.
Genome position (GRCh38, 1-based): chr16:71,575,954-71,575,955, GA replaced by AGG on the plus strand (TC replaced by CCT on the coding strand, the reverse complement: TAT is on the minus strand). VCF-style: chr16-71575954-GA-AGG. GRCh37 (hg19) VCF-style: chr16-71609857-GA-AGG.
Other names: short protein forms S103fs.
Identifiers: ClinVar variation 5015138 (VCV005015138.1).